The following is an entry in ClinVar:

NM_015122.3(FCHO1):c.101C>A (p.Ala34Glu)

Gene: FCHO1 (FCH and mu domain containing endocytic adaptor 1; plus strand). Cytogenetic location: 19p13.11.
Variant type: single nucleotide variant.
Coding change: c.101C>A on transcript NM_015122.3 (MANE Select); coding-DNA position 101, C replaced by A.
Protein change: p.Ala34Glu; replaces alanine 34 with glutamic acid.
Molecular consequence: missense variant. On other transcripts: 5 prime UTR variant (6), non-coding transcript variant (36).
Genome position (GRCh38, 1-based): chr19:17,762,835, C>A. VCF-style: chr19-17762835-C-A. GRCh37 (hg19) VCF-style: chr19-17873644-C-A.
Other names: c.101C>A, p.Ala34Glu (NM_001161357.2, NM_001161358.2, NM_001384370.1 and 30 more transcripts); c.-50C>A (NM_001161359.2, NM_001384384.1, NM_001384385.1 and 3 more transcripts); short protein forms A34E.
Identifiers: ClinVar variation 1371016 (VCV001371016.8), dbSNP rs201598105, ClinGen allele CA9299962.

ClinVar aggregate classification (germline): Uncertain significance (1 of 4 stars; one submission).

gnomAD v4.1: 2 of 1,613,102 alleles (0.00012%); highest among the groups gnomAD compares: Non-Finnish European, 0.00017%; no homozygotes.

Submission:

Labcorp Genetics (formerly Invitae), Labcorp
Classification: Uncertain significance. Last evaluated: 2021-02-10. Review status: criteria provided, single submitter. Criteria: Invitae Variant Classification Sherloc (09022015). Collection method: clinical testing. Allele origin: germline.
Comment: In summary, the available evidence is currently insufficient to determine the role of this variant in disease. Therefore, it has been classified as a Variant of Uncertain Significance. Algorithms developed to predict the effect of missense changes on protein structure and function are either unavailable or do not agree on the potential impact of this missense change (SIFT: "Deleterious"; PolyPhen-2: "Probably Damaging"; Align-GVGD: "Class C0"). This variant has not been reported in the literature in individuals with FCHO1-related conditions. This variant is present in population databases (rs201598105, ExAC 0.003%). This sequence change replaces alanine with glutamic acid at codon 34 of the FCHO1 protein (p.Ala34Glu). The alanine residue is highly conserved and there is a moderate physicochemical difference between alanine and glutamic acid.